The following is an entry in ClinVar:

NM_004787.4(SLIT2):c.4281G>T (p.Arg1427Ser)

Gene: SLIT2 (slit guidance ligand 2; plus strand). Cytogenetic location: 4p15.31.
Variant type: single nucleotide variant.
Coding change: c.4281G>T on transcript NM_004787.4 (MANE Select); coding-DNA position 4281, G replaced by T.
Protein change: p.Arg1427Ser; replaces arginine 1427 with serine.
Molecular consequence: missense variant.
Genome position (GRCh38, 1-based): chr4:20,617,583, G>T. VCF-style: chr4-20617583-G-T. GRCh37 (hg19) VCF-style: chr4-20619206-G-T.
Other names: c.4269G>T, p.Arg1423Ser (NM_001289135.3); c.4257G>T, p.Arg1419Ser (NM_001289136.3); short protein forms R1419S, R1423S, R1427S.
Identifiers: ClinVar variation 3899592 (VCV003899592.1).
Genomic context (GRCh38, chr4:20,617,583, plus strand): 5'-TGAAGAGGAGGATCTGTTTAACCCATGCCAGGCGATCAAGTGCAAGCATGGGAAGTGCAG[G>T]CTTTCAGGTCTGGGGCAGCCCTACTGTGAATGCAGCAGTGGATACACGGGGGACAGCTGT-3'
Protein context (NP_004778.1, residues 1417-1437): QAIKCKHGKC[Arg1427Ser]LSGLGQPYCE

ClinVar aggregate classification (germline): Uncertain significance (1 of 4 stars; one submission).

Submission:

GeneDx
Classification: Uncertain significance. Last evaluated: 2024-11-11. Review status: criteria provided, single submitter. Criteria: GeneDx Variant Classification Process June 2021. Collection method: clinical testing. Allele origin: germline. Affected: yes.
Comment: Not observed at significant frequency in large population cohorts (gnomAD); In silico analysis indicates that this missense variant does not alter protein structure/function; Has not been previously published as pathogenic or benign to our knowledge